The following is an entry in ClinVar:

NM_014991.6(WDFY3):c.7642C>G (p.Leu2548Val)

Gene: WDFY3 (WD repeat and FYVE domain containing 3; minus strand). Cytogenetic location: 4q21.23.
Variant type: single nucleotide variant.
Coding change: c.7642C>G on transcript NM_014991.6 (MANE Select); coding-DNA position 7642, C replaced by G.
Protein change: p.Leu2548Val; replaces leucine 2548 with valine.
Molecular consequence: missense variant.
Genome position (GRCh38, 1-based): chr4:84,718,534, G>C on the plus strand (C>G on the coding strand, the complement: WDFY3 is on the minus strand). VCF-style: chr4-84718534-G-C. GRCh37 (hg19) VCF-style: chr4-85639687-G-C.
Other names: short protein forms L2548V.
Identifiers: ClinVar variation 3370993 (VCV003370993.1).

ClinVar aggregate classification (germline): Uncertain significance (1 of 4 stars; one submission).

Submission:

GeneDx
Classification: Uncertain significance. Last evaluated: 2024-03-22. Review status: criteria provided, single submitter. Criteria: GeneDx Variant Classification Process June 2021. Collection method: clinical testing. Allele origin: germline. Affected: yes.
Comment: Not observed at significant frequency in large population cohorts (gnomAD); In silico analysis supports that this missense variant has a deleterious effect on protein structure/function; Has not been previously published as pathogenic or benign to our knowledge